The following is an entry in ClinVar:

ClinVar aggregate classification (germline): Uncertain significance. Review status: criteria provided, multiple submitters, no conflicts (2 of 4 stars). 2 submissions from 2 submitters: Uncertain significance (2). Last evaluated 2026-09-01.

gnomAD v4.1: 167 of 327,196 alleles (0.051%); highest among the groups gnomAD compares: Non-Finnish European, 0.073%; no homozygotes.

Submissions (2):

CeGaT Center for Human Genetics Tuebingen
Classification: Uncertain significance. Last evaluated: 2026-09-01. Review status: criteria provided, single submitter. Criteria: CeGaT Center For Human Genetics Tuebingen Variant Classification Criteria Version 2. Collection method: clinical testing. Allele origin: germline. Affected: yes. Observed: 1 variant allele.
Comment: TNXB: PM2

Mayo Clinic Laboratories, Mayo Clinic
Classification: Uncertain significance. Last evaluated: 2025-07-08. Review status: criteria provided, single submitter. Criteria: ACMG Guidelines, 2015. Collection method: clinical testing. Allele origin: germline. Observed: 3 variant alleles.
Comment: BP4

NM_001365276.2(TNXB):c.11683G>A (p.Ala3895Thr)

Genes: TNXB (tenascin XB; minus strand), LOC106780803 (tenascin XB recombination region; plus strand). Cytogenetic location: 6p21.33.
Variant type: single nucleotide variant.
Coding change: c.11683G>A on transcript NM_001365276.2 (MANE Select); coding-DNA position 11683, G replaced by A.
Protein change: p.Ala3895Thr; replaces alanine 3895 with threonine.
Molecular consequence: missense variant.
Genome position (GRCh38, 1-based): chr6:32,043,286, C>T on the plus strand (G>A on the coding strand, the complement: TNXB is on the minus strand). VCF-style: chr6-32043286-C-T. GRCh37 (hg19) VCF-style: chr6-32011063-C-T.
Other names: p.Ala3893Thr; c.12424G>A, p.Ala4142Thr (NM_001428335.1); c.11677G>A, p.Ala3893Thr (NM_019105.8); c.970G>A, p.Ala324Thr (NM_032470.4); short protein forms A3895T, A324T, A3893T, A4142T.
Identifiers: ClinVar variation 4541118 (VCV004541118.2).
Genomic context (GRCh38, chr6:32,043,286, plus strand): 5'-CACGCACTGTGGCGGTGTAGTTGGTGTGGAGGACAAGGTCATGCAGGGGGTAGTCCACCG[C>T]GCTGCCTGGGGTCTCCGCCTGCAGAGGCGGGGCTGGGAGTGTAGAGAGGGGCATCAAGGC-3'
Protein context (NP_001352205.1, residues 3885-3905): PPLQAETPGS[Ala3895Thr]VDYPLHDLVL